The following is an entry in ClinVar:

NM_001257096.2(PAX1):c.1276C>T (p.Arg426Ter)

Gene: PAX1 (paired box 1; plus strand). Cytogenetic location: 20p11.22.
Variant type: single nucleotide variant.
Coding change: c.1276C>T on transcript NM_001257096.2 (MANE Select); coding-DNA position 1276, C replaced by T.
Protein change: p.Arg426Ter; replaces arginine 426 with a stop codon.
Molecular consequence: nonsense.
Genome position (GRCh38, 1-based): chr20:21,709,438, C>T. VCF-style: chr20-21709438-C-T. GRCh37 (hg19) VCF-style: chr20-21690076-C-T.
Other names: c.1276C>T, p.Arg426Ter (NM_006192.5); short protein forms R426*.
Identifiers: ClinVar variation 2192637 (VCV002192637.1), dbSNP rs757834842, ClinGen allele CA9786738.

ClinVar aggregate classification (germline): Uncertain significance (1 of 4 stars; one submission).

Allele frequency attached by ClinVar (database versions not stated): TOPMed 0.00002; ExAC 0.00007.
gnomAD v4.1: 20 of 1,528,000 alleles (0.0013%); highest among the groups gnomAD compares: Non-Finnish European, 0.0018%; no homozygotes.

Submission:

Labcorp Genetics (formerly Invitae), Labcorp
Classification: Uncertain significance. Last evaluated: 2022-04-29. Review status: criteria provided, single submitter. Criteria: Invitae Variant Classification Sherloc (09022015). Collection method: clinical testing. Allele origin: germline.
Comment: This sequence change creates a premature translational stop signal (p.Arg426*) in the PAX1 gene. While this is not anticipated to result in nonsense mediated decay, it is expected to disrupt the last 109 amino acid(s) of the PAX1 protein. The frequency data for this variant in the population databases is considered unreliable, as metrics indicate poor data quality at this position in the gnomAD database. This variant has not been reported in the literature in individuals affected with PAX1-related conditions. Experimental studies and prediction algorithms are not available or were not evaluated, and the functional significance of this variant is currently unknown. In summary, the available evidence is currently insufficient to determine the role of this variant in disease. Therefore, it has been classified as a Variant of Uncertain Significance.